The following is an entry in ClinVar:

ClinVar aggregate classification (germline): Uncertain significance (1 of 4 stars; one submission).

Conditions:
Metabolic acidosis. Identifiers: MedGen C0220981, MONDO:0000440, HP:0001942.
Renal tubular acidosis. Identifiers: MedGen C0001126, MONDO:0001909, HP:0001947.
Rickets. Also called: Vitamin-D deficiency rickets; Nutritional rickets; Hypovitaminosis D; Vitamin D deficiency disease. Identifiers: MedGen C0035579, MONDO:0005520, HP:0002748.

Allele frequency attached by ClinVar (database versions not stated): TOPMed below 0.00001; gnomAD exomes 0.00001 and 0.00004; ExAC 0.00009.

Submission:

Diagnostics Services (NGS), CSIR - Centre For Cellular And Molecular Biology
Classification: Uncertain significance for Metabolic acidosis; Rickets; Renal tubular acidosis. Last evaluated: 2019-11-09. Review status: criteria provided, single submitter. Criteria: ACMG Guidelines, 2015. Collection method: clinical testing. Allele origin: unknown. Inheritance: Autosomal recessive inheritance. Affected: yes. Observed: 1 homozygote.
Comment: Variations in the HADHB gene are known to cause autosomal recessive Trifunctional protein deficiency (MIM#609015) where persistant metabolic acidosis and lactic acidosis are seen in the patients, alongwith motor delay. This variant is present in publicly available databases like Exome Aggregation Consortium (ExAC), Genome Aggregation Database (gnomAD) and dbSNP at a low minor allele frequency (MAF<0.0001) in heterozygous state. The variant is also present in our in-house exome database at a low frequency (MAF<0.001) only in heterozygous state. The variant was not reported to OMIM, ClinVar and Human Genome Mutation Database (HGMD) in any other affected individuals. Predictions from different in-silico pathogenicity prediction programs are contradictory. Due to lack of enough evidence the variant has been classified as uncertain significance as per ACMG guidelines.

NM_000183.3(HADHB):c.110-2324G>C

Gene: HADHB (hydroxyacyl-CoA dehydrogenase trifunctional multienzyme complex subunit beta; plus strand). Cytogenetic location: 2p23.3.
Variant type: single nucleotide variant.
Coding change: c.110-2324G>C on transcript NM_000183.3 (MANE Select); 2324 bases into the intron before coding-DNA position 110, G replaced by C.
Molecular consequence: intron variant. On other transcripts: missense variant (1).
Genome position (GRCh38, 1-based): chr2:26,261,056, G>C. VCF-style: chr2-26261056-G-C. GRCh37 (hg19) VCF-style: chr2-26483924-G-C.
Other names: c.36G>C, p.Trp12Cys (NM_001281513.2); c.110-2324G>C (NM_001281512.2); short protein forms W12C.
Identifiers: ClinVar variation 830363 (VCV000830363.5), dbSNP rs764471823, ClinGen allele CA1560094.